The following is an entry in ClinVar:

NM_000264.5(PTCH1):c.1361G>C (p.Cys454Ser)

Gene: PTCH1 (patched 1; minus strand). Cytogenetic location: 9q22.32.
Variant type: single nucleotide variant.
Coding change: c.1361G>C on transcript NM_000264.5 (MANE Select); coding-DNA position 1361, G replaced by C.
Protein change: p.Cys454Ser; replaces cysteine 454 with serine.
Molecular consequence: missense variant. On other transcripts: non-coding transcript variant (1), intron variant (1).
Genome position (GRCh38, 1-based): chr9:95,477,689, C>G on the plus strand (G>C on the coding strand, the complement: PTCH1 is on the minus strand). VCF-style: chr9-95477689-C-G. GRCh37 (hg19) VCF-style: chr9-98239971-C-G.
Other names: c.1163G>C, p.Cys388Ser (NM_001083602.3); c.1358G>C, p.Cys453Ser (NM_001083603.3); c.908G>C, p.Cys303Ser (NM_001083604.3, NM_001083605.3, NM_001083606.3 and 1 more transcripts); c.1347+366G>C (NM_001354918.2); short protein forms C303S, C454S, C453S, C388S.
Identifiers: ClinVar variation 3784565 (VCV003784565.1).

ClinVar aggregate classification (germline): Uncertain significance (1 of 4 stars; one submission).

Conditions:
Hereditary cancer-predisposing syndrome. Also called: Neoplastic Syndromes, Hereditary; Hereditary Cancer Syndrome; Tumor predisposition; Hereditary neoplastic syndrome. Identifiers: Orphanet 140162, MedGen C0027672, MeSH D009386, MONDO:0015356.

gnomAD v4.1: 1 of 1,614,076 alleles (0.000062%); no homozygotes.

Submission:

Ambry Genetics
Classification: Uncertain significance for Hereditary cancer-predisposing syndrome. Last evaluated: 2024-12-31. Review status: criteria provided, single submitter. Criteria: Ambry Variant Classification Scheme 2023. Collection method: clinical testing. Allele origin: germline.
Comment: The p.C454S variant (also known as c.1361G>C), located in coding exon 10 of the PTCH1 gene, results from a G to C substitution at nucleotide position 1361. The cysteine at codon 454 is replaced by serine, an amino acid with dissimilar properties. This amino acid position is conserved. In addition, this alteration is predicted to be deleterious by in silico analysis. Based on the available evidence, the clinical significance of this variant remains unclear.